The following is an entry in ClinVar:

NM_006231.4(POLE):c.5503C>A (p.Pro1835Thr)

Gene: POLE (DNA polymerase epsilon, catalytic subunit; minus strand). Cytogenetic location: 12q24.33.
Variant type: single nucleotide variant.
Coding change: c.5503C>A on transcript NM_006231.4 (MANE Select); coding-DNA position 5503, C replaced by A.
Protein change: p.Pro1835Thr; replaces proline 1835 with threonine.
Molecular consequence: missense variant.
Genome position (GRCh38, 1-based): chr12:132,639,174, G>T on the plus strand (C>A on the coding strand, the complement: POLE is on the minus strand). VCF-style: chr12-132639174-G-T. GRCh37 (hg19) VCF-style: chr12-133215760-G-T.
Other names: short protein forms P1835T.
Identifiers: ClinVar variation 1001123 (VCV001001123.8), dbSNP rs2042091840, ClinGen allele CA387374631.

ClinVar aggregate classification (germline): Uncertain significance (1 of 4 stars; one submission).

Submission:

Labcorp Genetics (formerly Invitae), Labcorp
Classification: Uncertain significance. Last evaluated: 2020-10-14. Review status: criteria provided, single submitter. Criteria: Invitae Variant Classification Sherloc (09022015). Collection method: clinical testing. Allele origin: germline.
Comment: Algorithms developed to predict the effect of missense changes on protein structure and function are either unavailable or do not agree on the potential impact of this missense change (SIFT: "Tolerated"; PolyPhen-2: "Probably Damaging"; Align-GVGD: "Class C0"). In summary, the available evidence is currently insufficient to determine the role of this variant in disease. Therefore, it has been classified as a Variant of Uncertain Significance. This variant has not been reported in the literature in individuals with POLE-related conditions. This variant is not present in population databases (ExAC no frequency). This sequence change replaces proline with threonine at codon 1835 of the POLE protein (p.Pro1835Thr). The proline residue is highly conserved and there is a small physicochemical difference between proline and threonine.